The following is an entry in ClinVar:

NM_000297.4(PKD2):c.2506dup (p.Tyr836fs)

Gene: PKD2 (polycystin 2, transient receptor potential cation channel; plus strand). Cytogenetic location: 4q22.1.
Variant type: Duplication.
Coding change: c.2506dup on transcript NM_000297.4 (MANE Select); coding-DNA position 2506, one base duplicated (T; older notation c.2506dupT).
Protein change: p.Tyr836fs; shifts the reading frame from tyrosine 836.
Molecular consequence: frameshift variant. On other transcripts: non-coding transcript variant (1).
Genome position (GRCh38, 1-based): chr4:88,068,045, T duplicated; the last of 2 consecutive T bases (chr4:88,068,044-88,068,045); duplicating either gives the same sequence. VCF-style (leftmost placement, unchanged base first): chr4-88068043-C-CT. GRCh37 (hg19) VCF-style: chr4-88989195-C-CT.
Other names: short protein forms Y836fs.
Identifiers: ClinVar variation 3349039 (VCV003349039.1).

ClinVar aggregate classification (germline): Pathogenic (0 of 4 stars; one submission).

Conditions:
PKD2-related disorder. Also called: PKD2-related condition.

Submission:

PreventionGenetics, part of Exact Sciences
Classification: Pathogenic for PKD2-related condition. Last evaluated: 2024-04-08. Review status: no assertion criteria provided. Collection method: clinical testing. Allele origin: germline.
Comment: The PKD2 c.2506dupT variant is predicted to result in a frameshift and premature protein termination (p.Tyr836Leufs*26). To our knowledge, this variant has not been reported in the literature or in a large population database, indicating this variant is rare. Frameshift variants in PKD2 are expected to be pathogenic. This variant is interpreted as pathogenic.